The following is an entry in ClinVar:

ClinVar aggregate classification (germline): Conflicting classifications of pathogenicity. Review status: criteria provided, conflicting classifications (1 of 4 stars). 16 submissions from 12 submitters: Uncertain significance (8); Benign (2); Likely benign (6). Last evaluated 2026-01-01.

Conditions:
TTN-related disorder. Also called: TTN-related condition; TTN-related disease; TTN-related disorders.
Dilated cardiomyopathy 1G (CMD1G). Identifiers: Orphanet 154, MedGen C1858763, MONDO:0011400, OMIM 604145.
Autosomal recessive limb-girdle muscular dystrophy type 2J (LGMDR10). Also called: Limb-girdle muscular dystrophy, type 2J; MUSCULAR DYSTROPHY, LIMB-GIRDLE, AUTOSOMAL RECESSIVE 10. Identifiers: Orphanet 140922, MedGen C1837342, MONDO:0012127, OMIM 608807.
Cardiomyopathy (CMYO). Also called: Cardiomyopathies. Identifiers: Orphanet 167848, MedGen C0878544, MONDO:0004994, HP:0001638. Inheritance: Various modes of inheritance.
Myopathy, myofibrillar, 9, with early respiratory failure (MFM9). Also called: Hereditary myopathy with early respiratory failure; Myopathy, distal, with early respiratory failure, autosomal dominant; EDSTROM MYOPATHY; MYOPATHY, PROXIMAL, WITH EARLY RESPIRATORY MUSCLE INVOLVEMENT. Identifiers: Orphanet 178464, Orphanet 34521, MedGen C1863599, MONDO:0011362, OMIM 603689.
Early-onset myopathy with fatal cardiomyopathy (CMYO5). Also called: Salih Myopathy; CONGENITAL MYOPATHY 5 WITH CARDIOMYOPATHY. Identifiers: Orphanet 289377, MedGen C2673677, MONDO:0012714, OMIM 611705. Disease mechanism: loss of function.
Tibial muscular dystrophy (TMD). Also called: Udd Distal Myopathy – Tibial Muscular Dystrophy; Tibial muscular dystrophy, tardive; UDD MYOPATHY. Identifiers: Orphanet 609, MedGen C1838244, MONDO:0010870, OMIM 600334.

Allele frequency attached by ClinVar (database versions not stated): ESP Exome Variant Server 0.00008; gnomAD 0.00019; TOPMed 0.00020; gnomAD exomes 0.00025 and 0.00031; ExAC 0.00057.
gnomAD v4.1: 476 of 1,594,814 alleles (0.03%); highest among the groups gnomAD compares: Middle Eastern, 0.05%; 1 homozygote.

Submissions (16):

CeGaT Center for Human Genetics Tuebingen
Classification: Uncertain significance. Last evaluated: 2026-01-01. Review status: criteria provided, single submitter. Criteria: CeGaT Center For Human Genetics Tuebingen Variant Classification Criteria Version 2. Collection method: clinical testing. Allele origin: germline. Affected: yes. Observed: 2 variant alleles.
Comment: TTN: PM2

PreventionGenetics, part of Exact Sciences
Classification: Likely benign for TTN-related condition. Last evaluated: 2025-11-24. Review status: criteria provided, single submitter. Criteria: ACMG Guidelines, 2015. Collection method: clinical testing. Allele origin: germline.
Comment: This variant is classified as likely benign based on ACMG/AMP sequence variant interpretation guidelines (Richards et al. 2015 PMID: 25741868, with internal and published modifications).

Molecular Diagnostic Laboratory for Inherited Cardiovascular Disease, Montreal Heart Institute
Classification: Likely benign. Last evaluated: 2025-04-09. Review status: criteria provided, single submitter. Criteria: ACMG Guidelines, 2015. Collection method: clinical testing. Allele origin: germline. Affected: no.
Comment: BP1

Women's Health and Genetics/Laboratory Corporation of America, LabCorp
Classification: Likely benign. Last evaluated: 2025-04-04. Review status: criteria provided, single submitter. Criteria: LabCorp Variant Classification Summary - May 2015. Collection method: clinical testing. Allele origin: germline.
Comment: Variant summary: TTN c.30124G>A (p.Glu10042Lys) results in a conservative amino acid change in the encoded protein sequence. Two of three in-silico tools predict a damaging effect of the variant on protein function. The variant allele was found at a frequency of 0.00025 in 220756 control chromosomes, predominantly at a frequency of 0.00048 within the Non-Finnish European subpopulation in the gnomAD database. The observed variant frequency within Non-Finnish European control individuals in the gnomAD database is approximately 1.2 fold of the estimated maximal expected allele frequency for a pathogenic variant in TTN causing Autosomal Recessive Titinopathy phenotype (0.00039), suggesting the variant may be benign. c.30124G>A has been reported in the literature in at least one individual affected with Dilated Cardiomyopathy in the presence of multiple variants, without evidence of causality (e.g. Forleo_2017), or in an individual affected with Bannayan-Riley-Ruvalcaba syndrome without evidence for causality (e.g. Yehia_2017). These report(s) do not provide unequivocal conclusions about association of the variant with Autosomal Recessive Titinopathy. To our knowledge, no experimental evidence demonstrating an impact on protein function has been reported. The following publications have been ascertained in the context of this evaluation (PMID: 28750076, 29263846). ClinVar contains an entry for this variant (Variation ID: 46895). Based on the evidence outlined above, the variant was classified as likely benign.

Blueprint Genetics
Classification: Likely benign. Last evaluated: 2024-11-12. Review status: criteria provided, single submitter. Criteria: ACMG Guidelines, 2015. Collection method: clinical testing. Allele origin: germline.

Revvity Omics, Revvity
Classification: Uncertain significance. Last evaluated: 2024-04-03. Review status: criteria provided, single submitter. Criteria: ACMG Guidelines, 2015. Collection method: clinical testing. Allele origin: germline.

GeneDx
Classification: Likely benign. Last evaluated: 2021-04-29. Review status: criteria provided, single submitter. Criteria: GeneDx Variant Classification Process June 2021. Collection method: clinical testing. Allele origin: germline. Affected: yes.
Comment: This variant is associated with the following publications: (PMID: 29263846)

CHEO Genetics Diagnostic Laboratory, Children's Hospital of Eastern Ontario
Classification: Likely benign for Cardiomyopathy. Last evaluated: 2018-07-24. Review status: criteria provided, single submitter. Criteria: ACMG Guidelines, 2015. Collection method: clinical testing. Allele origin: germline.

Illumina Laboratory Services, Illumina
Classification: Uncertain significance for Autosomal recessive limb-girdle muscular dystrophy type 2J. Last evaluated: 2018-01-13. Review status: criteria provided, single submitter. Criteria: ICSL Variant Classification Criteria 13 December 2019. Collection method: clinical testing. Allele origin: germline.

Illumina Laboratory Services, Illumina
Classification: Uncertain significance for Dilated cardiomyopathy 1G. Last evaluated: 2018-01-13. Review status: criteria provided, single submitter. Criteria: ICSL Variant Classification Criteria 13 December 2019. Collection method: clinical testing. Allele origin: germline.

Illumina Laboratory Services, Illumina
Classification: Benign for Myopathy, myofibrillar, 9, with early respiratory failure. Last evaluated: 2018-01-13. Review status: criteria provided, single submitter. Criteria: ICSL Variant Classification Criteria 13 December 2019. Collection method: clinical testing. Allele origin: germline.
Comment: This variant was observed in the ICSL laboratory as part of a predisposition screen in an ostensibly healthy population. It had not been previously curated by ICSL or reported in the Human Gene Mutation Database (HGMD: prior to June 1st, 2018), and was therefore a candidate for classification through an automated scoring system. Utilizing variant allele frequency, disease prevalence and penetrance estimates, and inheritance mode, an automated score was calculated to assess if this variant is too frequent to cause the disease. Based on the score and internal cut-off values, a variant classified as benign is not then subjected to further curation. The score for this variant resulted in a classification of benign for this disease.

Illumina Laboratory Services, Illumina
Classification: Benign for Tibial muscular dystrophy. Last evaluated: 2018-01-13. Review status: criteria provided, single submitter. Criteria: ICSL Variant Classification Criteria 13 December 2019. Collection method: clinical testing. Allele origin: germline.
Comment: the same text as in the submission from Illumina Laboratory Services, Illumina above.

Illumina Laboratory Services, Illumina
Classification: Uncertain significance for Early-onset myopathy with fatal cardiomyopathy. Last evaluated: 2018-01-13. Review status: criteria provided, single submitter. Criteria: ICSL Variant Classification Criteria 13 December 2019. Collection method: clinical testing. Allele origin: germline.

Labcorp Genetics (formerly Invitae), Labcorp
Classification: Uncertain significance for Dilated cardiomyopathy 1G; Autosomal recessive limb-girdle muscular dystrophy type 2J. Last evaluated: 2017-12-11. Review status: criteria provided, single submitter. Criteria: Invitae Variant Classification Sherloc (09022015). Collection method: clinical testing. Allele origin: germline.

Athena Diagnostics
Classification: Uncertain significance. Last evaluated: 2017-11-28. Review status: criteria provided, single submitter. Criteria: Athena Diagnostics Criteria. Collection method: clinical testing. Allele origin: germline.

Laboratory for Molecular Medicine, Mass General Brigham Personalized Medicine
Classification: Uncertain significance. Last evaluated: 2017-01-17. Review status: criteria provided, single submitter. Criteria: LMM Criteria. Collection method: clinical testing. Allele origin: germline. Observed: 3 variant alleles.
Comment: proposed classification - variant undergoing re-assessment, contact laboratory

Literature cited by the submitters: PubMed 28750076 (cited by Women's Health and Genetics/Laboratory Corporation of America, LabCorp); PubMed 29263846 (cited by Women's Health and Genetics/Laboratory Corporation of America, LabCorp).

NM_001267550.2(TTN):c.33856G>A (p.Glu11286Lys)

Gene: TTN (titin; minus strand). Cytogenetic location: 2q31.2.
Variant type: single nucleotide variant.
Coding change: c.33856G>A on transcript NM_001267550.2 (MANE Select); coding-DNA position 33856, G replaced by A.
Protein change: p.Glu11286Lys; replaces glutamic acid 11286 with lysine.
Molecular consequence: missense variant. On other transcripts: intron variant (3).
Genome position (GRCh38, 1-based): chr2:178,678,468, C>T on the plus strand (G>A on the coding strand, the complement: TTN is on the minus strand). VCF-style: chr2-178678468-C-T. GRCh37 (hg19) VCF-style: chr2-179543195-C-T.
Other names: p.E10969K:GAG>AAG; c.32905G>A, p.Glu10969Lys (NM_001256850.1); c.30124G>A, p.Glu10042Lys (NM_133378.4); c.13283-36151G>A (NM_003319.4); c.13859-36151G>A (NM_133437.4); c.13658-36151G>A (NM_133432.3); short protein forms E11286K, E10042K, E10969K.
Identifiers: ClinVar variation 46895 (VCV000046895.61), dbSNP rs376874956, ClinGen allele CA139449.